The following is an entry in ClinVar:

NM_022124.6(CDH23):c.5117G>A (p.Arg1706His)

Gene: CDH23 (cadherin related 23; plus strand). Cytogenetic location: 10q22.1.
Variant type: single nucleotide variant.
Coding change: c.5117G>A on transcript NM_022124.6 (MANE Select); coding-DNA position 5117, G replaced by A.
Protein change: p.Arg1706His; replaces arginine 1706 with histidine.
Molecular consequence: missense variant.
Genome position (GRCh38, 1-based): chr10:71,778,238, G>A. VCF-style: chr10-71778238-G-A. GRCh37 (hg19) VCF-style: chr10-73537995-G-A.
Other names: short protein forms R1706H.
Identifiers: ClinVar variation 859233 (VCV000859233.12), dbSNP rs376614796, ClinGen allele CA5545650.

ClinVar aggregate classification (germline): Uncertain significance. Review status: criteria provided, multiple submitters, no conflicts (2 of 4 stars). 8 submissions from 8 submitters: Uncertain significance (5). 3 of the submissions do not count toward it. Last evaluated 2025-09-26.

Conditions:
CDH23-related disorder. Also called: CDH23-related condition; CDH23-related disorders.
Pituitary adenoma 5, multiple types. Identifiers: MedGen C4539685, MONDO:0054601, OMIM 617540.
Autosomal recessive nonsyndromic hearing loss 12. Also called: DEAFNESS, AUTOSOMAL RECESSIVE 12. Identifiers: Orphanet 90636, MedGen C1832394, MONDO:0011067, OMIM 601386.
Usher syndrome type 1D (USH1D). Also called: USHER SYNDROME, TYPE ID. Identifiers: Orphanet 231169, Orphanet 886, MedGen C1832845, MONDO:0010984, OMIM 601067.
Usher syndrome type 1 (USH1). Also called: RETINITIS PIGMENTOSA AND CONGENITAL DEAFNESS. Identifiers: Orphanet 231169, Orphanet 886, MedGen C1568247, MONDO:0010168, OMIM 276900.

Allele frequency attached by ClinVar (database versions not stated): gnomAD 0.00002 and 0.00005; TOPMed 0.00005; gnomAD exomes 0.00006; ExAC 0.00007; ESP Exome Variant Server 0.00008.
gnomAD v4.1: 98 of 1,613,690 alleles (0.0061%); highest among the groups gnomAD compares: South Asian, 0.043%; no homozygotes.

Submissions (8):

PreventionGenetics, part of Exact Sciences
Classification: Uncertain significance for CDH23-related condition. Last evaluated: 2025-09-26. Review status: criteria provided, single submitter. Criteria: ACMG Guidelines, 2015. Collection method: clinical testing. Allele origin: germline.
Comment: The CDH23 c.5117G>A variant is predicted to result in the amino acid substitution p.Arg1706His. This variant was reported in the compound heterozygous state with a second potentially causative variant in an individual with sensorineural hearing loss (Table S1, van Beeck Calkoen et al. 2019. PubMed ID: 31152317). This variant is reported in 0.033% of alleles in individuals of South Asian descent in gnomAD. At this time, the clinical significance of this p.(Arg1706His) variant is uncertain due to the absence of conclusive functional and genetic evidence.

GeneDx
Classification: Uncertain significance. Last evaluated: 2022-11-10. Review status: criteria provided, single submitter. Criteria: GeneDx Variant Classification Process June 2021. Collection method: clinical testing. Allele origin: germline. Affected: yes.
Comment: Identified with a second CDH23 variant in a patient with childhood onset snesorineural hearing loss in published literature (van Beeck Calkoen et al., 2019); In silico analysis supports that this missense variant does not alter protein structure/function; This variant is associated with the following publications: (PMID: 31152317)

Labcorp Genetics (formerly Invitae), Labcorp
Classification: Uncertain significance. Last evaluated: 2022-10-13. Review status: criteria provided, single submitter. Criteria: Invitae Variant Classification Sherloc (09022015). Collection method: clinical testing. Allele origin: germline.
Comment: This sequence change replaces arginine, which is basic and polar, with histidine, which is basic and polar, at codon 1706 of the CDH23 protein (p.Arg1706His). This variant is present in population databases (rs376614796, gnomAD 0.03%). This missense change has been observed in individual(s) with clinical features of CDH23-related conditions (PMID: 31152317). ClinVar contains an entry for this variant (Variation ID: 859233). Advanced modeling of protein sequence and biophysical properties (such as structural, functional, and spatial information, amino acid conservation, physicochemical variation, residue mobility, and thermodynamic stability) performed at Invitae indicates that this missense variant is not expected to disrupt CDH23 protein function. In summary, the available evidence is currently insufficient to determine the role of this variant in disease. Therefore, it has been classified as a Variant of Uncertain Significance.

Fulgent Genetics
Classification: Uncertain significance for Usher syndrome type 1D; Autosomal recessive nonsyndromic hearing loss 12; Pituitary adenoma 5, multiple types. Last evaluated: 2022-05-05. Review status: criteria provided, single submitter. Criteria: ACMG Guidelines, 2015. Collection method: clinical testing. Allele origin: unknown.

Blueprint Genetics
Classification: Uncertain significance. Last evaluated: 2021-12-23. Review status: criteria provided, single submitter. Criteria: ACMG Guidelines, 2015. Collection method: clinical testing. Allele origin: germline.

Natera, Inc.
Classification: Uncertain significance for Usher syndrome type 1. Last evaluated: 2020-09-16. Review status: no assertion criteria provided. Collection method: clinical testing. Allele origin: germline. Not counted in ClinVar's aggregate classification.

Clinical Genetics, Academic Medical Center
Classification: Uncertain significance. Review status: no assertion criteria provided. Collection method: clinical testing. Allele origin: germline. Affected: yes. Study: VKGL Data-share Consensus. Not counted in ClinVar's aggregate classification.

Joint Genome Diagnostic Labs from Nijmegen and Maastricht, Radboudumc and MUMC+
Classification: Uncertain significance. Review status: no assertion criteria provided. Collection method: clinical testing. Allele origin: germline. Affected: yes. Study: VKGL Data-share Consensus. Not counted in ClinVar's aggregate classification.

Literature cited by the submitters: PubMed 31152317 (cited by Labcorp Genetics (formerly Invitae), Labcorp).